The following is an entry in ClinVar:

NM_006231.4(POLE):c.6658-1_6667del

Gene: POLE (DNA polymerase epsilon, catalytic subunit; minus strand). Cytogenetic location: 12q24.33.
Variant type: Deletion.
Coding change: c.6658-1_6667del on transcript NM_006231.4 (MANE Select); the canonical splice acceptor site of the intron before coding-DNA position 6658 through coding-DNA position 6667, 11 bases deleted (GGTCTGCCTGA).
Molecular consequence: splice acceptor variant.
Genome position (GRCh38, 1-based): chr12:132,624,985-132,624,995, TCAGGCAGACC deleted on the plus strand (GGTCTGCCTGA on the coding strand, the reverse complement: POLE is on the minus strand); deleting any 11 consecutive bases within chr12:132,624,985-132,624,996 gives the same sequence; the c. name uses the placement nearest the transcript's 3' end. VCF-style (leftmost placement, unchanged base first): chr12-132624984-TTCAGGCAGACC-T. GRCh37 (hg19) VCF-style: chr12-133201570-TTCAGGCAGACC-T.
Identifiers: ClinVar variation 1382004 (VCV001382004.6), dbSNP rs2041802189, ClinGen allele CA2072977013.
Genomic context (GRCh38, chr12:132,624,984, plus strand): 5'-GCGAAGTCTCCCGCGCAGCTGCAGTACACAGGCATGCTGGTCTCCTTCACCCCGCGGCAC[TTCAGGCAGACC>T]TGAAAGGGAGCAGCCCCGATGGGCGCCAGCCCTCCCGCGCTGGCCAGACCTGCCTGCTGC-3'

ClinVar aggregate classification (germline): Likely pathogenic (1 of 4 stars; one submission).

Submission:

Labcorp Genetics (formerly Invitae), Labcorp
Classification: Likely pathogenic. Last evaluated: 2022-05-12. Review status: criteria provided, single submitter. Criteria: Invitae Variant Classification Sherloc (09022015). Collection method: clinical testing. Allele origin: germline.
Comment: In summary, the currently available evidence indicates that the variant is pathogenic, but additional data are needed to prove that conclusively. Therefore, this variant has been classified as Likely Pathogenic. Algorithms developed to predict the effect of sequence changes on RNA splicing suggest that this variant may disrupt the consensus splice site. This variant has not been reported in the literature in individuals affected with POLE-related conditions. This variant is not present in population databases (gnomAD no frequency). This variant results in the deletion of part of exon 48 (c.6658-1_6667del) of the POLE gene. It is expected to disrupt RNA splicing. Variants that disrupt the donor or acceptor splice site typically lead to a loss of protein function (PMID: 16199547), and loss-of-function variants in POLE are known to be pathogenic (PMID: 23230001, 25948378, 30503519).

Literature cited by the submitters: PubMed 16199547; PubMed 23230001; PubMed 25948378; PubMed 30503519.